The following is an entry in ClinVar:

ClinVar aggregate classification (germline): Uncertain significance (1 of 4 stars; one submission).

Submission:

CeGaT Center for Human Genetics Tuebingen
Classification: Uncertain significance. Last evaluated: 2024-11-01. Review status: criteria provided, single submitter. Criteria: CeGaT Center For Human Genetics Tuebingen Variant Classification Criteria Version 2. Collection method: clinical testing. Allele origin: germline. Affected: yes. Observed: 1 variant allele.
Comment: PRICKLE2: PM2

NM_198859.4(PRICKLE2):c.2135_2136del (p.Lys712fs)

Genes: PRICKLE2 (prickle planar cell polarity protein 2; minus strand), PRICKLE2-AS1 (PRICKLE2 antisense RNA 1; plus strand). Cytogenetic location: 3p14.1.
Variant type: Deletion.
Coding change: c.2135_2136del on transcript NM_198859.4 (MANE Select); coding-DNA positions 2135 to 2136, 2 bases deleted (AA; older notation c.2135_2136delAA).
Protein change: p.Lys712fs; shifts the reading frame from lysine 712.
Molecular consequence: frameshift variant. On other transcripts: non-coding transcript variant (1).
Genome position (GRCh38, 1-based): chr3:64,099,450-64,099,451, TT deleted on the plus strand (AA on the coding strand, the reverse complement: PRICKLE2 is on the minus strand); deleting any 2 consecutive bases within chr3:64,099,450-64,099,453 gives the same sequence; the c. name uses the placement nearest the transcript's 3' end. VCF-style (leftmost placement, unchanged base first): chr3-64099449-CTT-C. GRCh37 (hg19) VCF-style: chr3-64085125-CTT-C.
Other names: c.2135_2136del, p.Lys712fs (NM_001370528.1); short protein forms K712fs.
Identifiers: ClinVar variation 3390129 (VCV003390129.14).